The following is an entry in ClinVar:

NM_033380.3(COL4A5):c.2244+1G>T

Gene: COL4A5 (collagen type IV alpha 5 chain; plus strand). Cytogenetic location: Xq22.3.
Variant type: single nucleotide variant.
Coding change: c.2244+1G>T on transcript NM_033380.3 (MANE Select); the canonical splice donor site of the intron after coding-DNA position 2244, G replaced by T.
Molecular consequence: splice donor variant.
Genome position (GRCh38, 1-based): chrX:108,603,062, G>T. VCF-style: chrX-108603062-G-T. GRCh37 (hg19) VCF-style: chrX-107846292-G-T.
Other names: NC_000023.10:g.107846292G>T; c.2244+1G>T (NM_000495.5).
Identifiers: ClinVar variation 24499 (VCV000024499.9), dbSNP rs281874688, ClinGen allele CA258641.

ClinVar aggregate classification (germline): Pathogenic/Likely pathogenic. Review status: criteria provided, multiple submitters, no conflicts (2 of 4 stars). 4 submissions from 4 submitters: Pathogenic (3); Likely pathogenic (1). Last evaluated 2025-03-05.

Conditions:
COL4A5-related disorders.
X-linked Alport syndrome (ATS1). Also called: COL4A5-Related Nephropathy; NEPHROPATHY AND DEAFNESS, X-LINKED. Identifiers: Orphanet 63, Orphanet 88917, MedGen C4746986, MONDO:0010520, OMIM 301050.

Submissions (5):

Labcorp Genetics (formerly Invitae), Labcorp
Classification: Pathogenic. Last evaluated: 2025-03-05. Review status: criteria provided, single submitter. Criteria: Invitae Variant Classification Sherloc (09022015). Collection method: clinical testing. Allele origin: germline.
Comment: This sequence change affects a donor splice site in intron 28 of the COL4A5 gene. It is expected to disrupt RNA splicing. Variants that disrupt the donor or acceptor splice site typically lead to a loss of protein function (PMID: 16199547), and loss-of-function variants in COL4A5 are known to be pathogenic (PMID: 9195222, 10752524, 14514738, 24854265, 26809805). This variant is not present in population databases (gnomAD no frequency). Disruption of this splice site has been observed in individuals with Alport syndrome (PMID: 10684360, 37100867). ClinVar contains an entry for this variant (Variation ID: 24499). Algorithms developed to predict the effect of sequence changes on RNA splicing suggest that this variant may disrupt the consensus splice site. For these reasons, this variant has been classified as Pathogenic.

Blueprint Genetics
Classification: Likely pathogenic for COL4A5-related disorders. Last evaluated: 2023-01-26. Review status: criteria provided, single submitter. Criteria: ACMG Guidelines, 2015. Collection method: clinical testing. Allele origin: germline. Affected: yes. Observed: 1 variant allele.

Fulgent Genetics
Classification: Pathogenic for X-linked Alport syndrome. Last evaluated: 2021-11-03. Review status: criteria provided, single submitter. Criteria: ACMG Guidelines, 2015. Collection method: clinical testing. Allele origin: unknown.

GeneDx
Classification: Pathogenic. Last evaluated: 2020-12-16. Review status: criteria provided, single submitter. Criteria: GeneDx Variant Classification Process June 2021. Collection method: clinical testing. Allele origin: germline. Affected: yes.
Comment: Canonical splice site variant predicted to result in a null allele in a gene for which loss-of-function is a known mechanism of disease; Not observed in large population cohorts (Lek et al., 2016); This variant is associated with the following publications: (PMID: 20378821, 25525159)

Dr. Peter K. Rogan Lab, Western University
No classification provided (evidence only). Condition: Nonpapillary renal cell carcinoma. Review status: no classification provided. Collection method: in vitro. Allele origin: not applicable. Functional consequence: retained intron. Not counted in ClinVar's aggregate classification.

Literature cited by the submitters: PubMed 16199547 (cited by Labcorp Genetics (formerly Invitae), Labcorp); PubMed 9195222 (cited by Labcorp Genetics (formerly Invitae), Labcorp); PubMed 10752524 (cited by Labcorp Genetics (formerly Invitae), Labcorp); PubMed 14514738 (cited by Labcorp Genetics (formerly Invitae), Labcorp); PubMed 24854265 (cited by Labcorp Genetics (formerly Invitae), Labcorp); PubMed 26809805 (cited by Labcorp Genetics (formerly Invitae), Labcorp); PubMed 10684360 (cited by Labcorp Genetics (formerly Invitae), Labcorp); PubMed 37100867 (cited by Labcorp Genetics (formerly Invitae), Labcorp).